The following is an entry in ClinVar:

NM_144988.4(ALG14):c.641G>A (p.Arg214Gln)

Gene: ALG14 (ALG14 UDP-N-acetylglucosaminyltransferase subunit; minus strand). Cytogenetic location: 1p21.3.
Variant type: single nucleotide variant.
Coding change: c.641G>A on transcript NM_144988.4 (MANE Select); coding-DNA position 641, G replaced by A.
Protein change: p.Arg214Gln; replaces arginine 214 with glutamine.
Molecular consequence: missense variant. On other transcripts: 3 prime UTR variant (1), non-coding transcript variant (1).
Genome position (GRCh38, 1-based): chr1:94,983,086, C>T on the plus strand (G>A on the coding strand, the complement: ALG14 is on the minus strand). VCF-style: chr1-94983086-C-T. GRCh37 (hg19) VCF-style: chr1-95448642-C-T.
Other names: c.*210G>A (NM_001305242.2); short protein forms R214Q.
Identifiers: ClinVar variation 1037915 (VCV001037915.8), dbSNP rs767036165, ClinGen allele CA961740.

ClinVar aggregate classification (germline): Uncertain significance (1 of 4 stars; one submission).

Conditions:
Congenital myasthenic syndrome 15. Also called: Myasthenic syndrome, congenital, 15, without tubular aggregates. Identifiers: Orphanet 353327, Orphanet 590, MedGen C4015596, MONDO:0014542, OMIM 616227.

Allele frequency attached by ClinVar (database versions not stated): gnomAD 0.00001 and 0.00002; ExAC 0.00002; TOPMed 0.00002.
gnomAD v4.1: 17 of 1,613,810 alleles (0.0011%); highest among the groups gnomAD compares: Middle Eastern, 0.016%; no homozygotes.

Submission:

Labcorp Genetics (formerly Invitae), Labcorp
Classification: Uncertain significance for Congenital myasthenic syndrome 15. Last evaluated: 2022-08-23. Review status: criteria provided, single submitter. Criteria: Invitae Variant Classification Sherloc (09022015). Collection method: clinical testing. Allele origin: germline.
Comment: In summary, the available evidence is currently insufficient to determine the role of this variant in disease. Therefore, it has been classified as a Variant of Uncertain Significance. Algorithms developed to predict the effect of missense changes on protein structure and function are either unavailable or do not agree on the potential impact of this missense change (SIFT: "Tolerated"; PolyPhen-2: "Possibly Damaging"; Align-GVGD: "Class C0"). ClinVar contains an entry for this variant (Variation ID: 1037915). This variant has not been reported in the literature in individuals affected with ALG14-related conditions. This variant is present in population databases (rs767036165, gnomAD 0.007%). This sequence change replaces arginine, which is basic and polar, with glutamine, which is neutral and polar, at codon 214 of the ALG14 protein (p.Arg214Gln).